The following is an entry in ClinVar:

ClinVar aggregate classification (germline): Uncertain significance. Review status: criteria provided, multiple submitters, no conflicts (2 of 4 stars). 3 submissions from 3 submitters: Uncertain significance (3). Last evaluated 2026-03-11.

Conditions:
Inborn genetic diseases. Identifiers: MedGen C0950123, MeSH D030342.

Allele frequency attached by ClinVar (database versions not stated): gnomAD exomes 0.00001 and 0.00002; ExAC 0.00002; TOPMed 0.00003; gnomAD 0.00004 and 0.00005.
gnomAD v4.1: 29 of 1,614,016 alleles (0.0018%); highest among the groups gnomAD compares: African/African-American, 0.0027%; no homozygotes.

Submissions (3):

Ambry Genetics
Classification: Uncertain significance for Inborn genetic diseases. Last evaluated: 2026-03-11. Review status: criteria provided, single submitter. Criteria: Ambry Variant Classification Scheme 2023. Collection method: clinical testing. Allele origin: germline.

Blueprint Genetics
Classification: Uncertain significance. Last evaluated: 2024-09-11. Review status: criteria provided, single submitter. Criteria: ACMG Guidelines, 2015. Collection method: clinical testing. Allele origin: germline.

Labcorp Genetics (formerly Invitae), Labcorp
Classification: Uncertain significance. Last evaluated: 2022-02-04. Review status: criteria provided, single submitter. Criteria: Invitae Variant Classification Sherloc (09022015). Collection method: clinical testing. Allele origin: germline.
Comment: This sequence change replaces glycine, which is neutral and non-polar, with serine, which is neutral and polar, at codon 497 of the MERTK protein (p.Gly497Ser). This variant is present in population databases (rs750772995, gnomAD 0.004%). In summary, the available evidence is currently insufficient to determine the role of this variant in disease. Therefore, it has been classified as a Variant of Uncertain Significance. Algorithms developed to predict the effect of sequence changes on RNA splicing suggest that this variant may create or strengthen a splice site. Algorithms developed to predict the effect of missense changes on protein structure and function are either unavailable or do not agree on the potential impact of this missense change (SIFT: "Deleterious"; PolyPhen-2: "Benign"; Align-GVGD: "Class C55"). ClinVar contains an entry for this variant (Variation ID: 969902). This variant has not been reported in the literature in individuals affected with MERTK-related conditions.

NM_006343.3(MERTK):c.1489G>A (p.Gly497Ser)

Gene: MERTK (MER proto-oncogene, tyrosine kinase; plus strand). Cytogenetic location: 2q13.
Variant type: single nucleotide variant.
Coding change: c.1489G>A on transcript NM_006343.3 (MANE Select); coding-DNA position 1489, G replaced by A.
Protein change: p.Gly497Ser; replaces glycine 497 with serine.
Molecular consequence: missense variant.
Genome position (GRCh38, 1-based): chr2:111,997,361, G>A. VCF-style: chr2-111997361-G-A. GRCh37 (hg19) VCF-style: chr2-112754938-G-A.
Other names: short protein forms G497S.
Identifiers: ClinVar variation 969902 (VCV000969902.10), dbSNP rs750772995, ClinGen allele CA1831445.